The following is an entry in ClinVar:

NM_022489.4(INF2):c.1289_1339del (p.Leu430_Leu446del)

Gene: INF2 (inverted formin 2; plus strand). Cytogenetic location: 14q32.33.
Variant type: Deletion.
Coding change: c.1289_1339del on transcript NM_022489.4 (MANE Select); coding-DNA positions 1289 to 1339, 51 bases deleted.
Protein change: p.Leu430_Leu446del.
Molecular consequence: inframe deletion.
Genome position (GRCh38, 1-based): chr14:104,707,556-104,707,606, 51 bases deleted. GRCh37 (hg19): chr14:105,173,893-105,173,943.
Other names: c.1289_1339del, p.Leu430_Leu446del (NM_001031714.4).
Identifiers: ClinVar variation 834773 (VCV000834773.9), dbSNP rs1566781602, ClinGen allele CA916083403.

ClinVar aggregate classification (germline): Uncertain significance (1 of 4 stars; one submission).

Conditions:
Charcot-Marie-Tooth disease dominant intermediate E. Also called: CHARCOT-MARIE-TOOTH NEUROPATHY WITH FOCAL SEGMENTAL GLOMERULONEPHRITIS. Identifiers: Orphanet 93114, MedGen C4302667, MONDO:0013758, OMIM 614455.
Focal segmental glomerulosclerosis 5 (FSGS5). Identifiers: Orphanet 656, MedGen C2750475, MONDO:0013191, OMIM 613237.

Submission:

Labcorp Genetics (formerly Invitae), Labcorp
Classification: Uncertain significance for Charcot-Marie-Tooth disease dominant intermediate E; Focal segmental glomerulosclerosis 5. Last evaluated: 2024-05-02. Review status: criteria provided, single submitter. Criteria: Invitae Variant Classification Sherloc (09022015). Collection method: clinical testing. Allele origin: germline.
Comment: This variant, c.1289_1339del, results in the deletion of 17 amino acid(s) of the INF2 protein (p.Leu430_Leu446del), but otherwise preserves the integrity of the reading frame. This variant is not present in population databases (gnomAD no frequency). This variant has not been reported in the literature in individuals affected with INF2-related conditions. ClinVar contains an entry for this variant (Variation ID: 834773). Experimental studies and prediction algorithms are not available or were not evaluated, and the functional significance of this variant is currently unknown. In summary, the available evidence is currently insufficient to determine the role of this variant in disease. Therefore, it has been classified as a Variant of Uncertain Significance.